The following is an entry in ClinVar:

NM_000321.3(RB1):c.1669A>C (p.Ile557Leu)

Gene: RB1 (RB transcriptional corepressor 1; plus strand). Cytogenetic location: 13q14.2.
Variant type: single nucleotide variant.
Coding change: c.1669A>C on transcript NM_000321.3 (MANE Select); coding-DNA position 1669, A replaced by C.
Protein change: p.Ile557Leu; replaces isoleucine 557 with leucine.
Molecular consequence: missense variant.
Genome position (GRCh38, 1-based): chr13:48,381,417, A>C. VCF-style: chr13-48381417-A-C. GRCh37 (hg19) VCF-style: chr13-48955553-A-C.
Other names: c.1669A>C (NM_000321.2); short protein forms I557L.
Identifiers: ClinVar variation 1353282 (VCV001353282.9), dbSNP rs1948534909, ClinGen allele CA388163997.

ClinVar aggregate classification (germline): Uncertain significance. Review status: criteria provided, multiple submitters, no conflicts (2 of 4 stars). 2 submissions from 2 submitters: Uncertain significance (2). Last evaluated 2026-02-13.

Conditions:
Retinoblastoma (RB1). Also called: RETINOBLASTOMA, SOMATIC. Identifiers: Orphanet 790, MedGen C0035335, MeSH D012175, MONDO:0008380, OMIM 180200, HP:0009919. Disease mechanism: loss of function. Inheritance: Both sporadic and heritable forms are tested..
Hereditary cancer-predisposing syndrome. Also called: Hereditary neoplastic syndrome; Tumor predisposition; Neoplastic Syndromes, Hereditary; Hereditary Cancer Syndrome. Identifiers: Orphanet 140162, MedGen C0027672, MeSH D009386, MONDO:0015356.

gnomAD v4.1: 3 of 1,613,722 alleles (0.00019%); highest among the groups gnomAD compares: South Asian, 0.0011%; no homozygotes.

Submissions (2):

Ambry Genetics
Classification: Uncertain significance for Hereditary cancer-predisposing syndrome. Last evaluated: 2026-02-13. Review status: criteria provided, single submitter. Criteria: Ambry Variant Classification Scheme 2023. Collection method: clinical testing. Allele origin: germline.
Comment: The p.I557L variant (also known as c.1669A>C), located in coding exon 17 of the RB1 gene, results from an A to C substitution at nucleotide position 1669. The isoleucine at codon 557 is replaced by leucine, an amino acid with highly similar properties. This amino acid position is conserved. In addition, this alteration is predicted to be deleterious by in silico analysis. Based on the available evidence, the clinical significance of this variant remains unclear.

Labcorp Genetics (formerly Invitae), Labcorp
Classification: Uncertain significance for Retinoblastoma. Last evaluated: 2025-11-17. Review status: criteria provided, single submitter. Criteria: Invitae Variant Classification Sherloc (09022015). Collection method: clinical testing. Allele origin: germline.
Comment: This sequence change replaces isoleucine, which is neutral and non-polar, with leucine, which is neutral and non-polar, at codon 557 of the RB1 protein (p.Ile557Leu). This variant is not present in population databases (gnomAD no frequency). This variant has not been reported in the literature in individuals affected with RB1-related conditions. ClinVar contains an entry for this variant (Variation ID: 1353282). Invitae Evidence Modeling of protein sequence and biophysical properties (such as structural, functional, and spatial information, amino acid conservation, physicochemical variation, residue mobility, and thermodynamic stability) indicates that this missense variant is not expected to disrupt RB1 protein function with a negative predictive value of 80%. In summary, the available evidence is currently insufficient to determine the role of this variant in disease. Therefore, it has been classified as a Variant of Uncertain Significance.